The following is an entry in ClinVar:

NM_000455.5(STK11):c.820A>C (p.Ile274Leu)

Gene: STK11 (serine/threonine kinase 11; plus strand). Cytogenetic location: 19p13.3.
Variant type: single nucleotide variant.
Coding change: c.820A>C on transcript NM_000455.5 (MANE Select); coding-DNA position 820, A replaced by C.
Protein change: p.Ile274Leu; replaces isoleucine 274 with leucine.
Molecular consequence: missense variant.
Genome position (GRCh38, 1-based): chr19:1,221,298, A>C. VCF-style: chr19-1221298-A-C. GRCh37 (hg19) VCF-style: chr19-1221297-A-C.
Other names: c.820A>C (NM_000455.4); short protein forms I274L.
Identifiers: ClinVar variation 1489321 (VCV001489321.4), dbSNP rs1599927666, ClinGen allele CA402950627.

ClinVar aggregate classification (germline): Uncertain significance. Review status: criteria provided, multiple submitters, no conflicts (2 of 4 stars). 2 submissions from 2 submitters: Uncertain significance (2). Last evaluated 2025-06-20.

Conditions:
Hereditary cancer-predisposing syndrome. Also called: Neoplastic Syndromes, Hereditary; Tumor predisposition; Hereditary neoplastic syndrome; Hereditary Cancer Syndrome. Identifiers: Orphanet 140162, MedGen C0027672, MeSH D009386, MONDO:0015356.
Peutz-Jeghers syndrome (PJS). Also called: Peutz-Jeghers polyposis; Periorificial lentiginosis syndrome; POLYPOSIS, HAMARTOMATOUS INTESTINAL; POLYPS-AND-SPOTS SYNDROME. Identifiers: Orphanet 2869, MedGen C0031269, MeSH D010580, MONDO:0008280, OMIM 175200.

Submissions (2):

Ambry Genetics
Classification: Uncertain significance for Hereditary cancer-predisposing syndrome. Last evaluated: 2025-06-20. Review status: criteria provided, single submitter. Criteria: Ambry Variant Classification Scheme 2023. Collection method: clinical testing. Allele origin: germline.
Comment: The p.I274L variant (also known as c.820A>C), located in coding exon 6 of the STK11 gene, results from an A to C substitution at nucleotide position 820. The isoleucine at codon 274 is replaced by leucine, an amino acid with highly similar properties. This amino acid position is conserved. In addition, this alteration is predicted to be tolerated by in silico analysis. Based on the available evidence, the clinical significance of this variant remains unclear.

Labcorp Genetics (formerly Invitae), Labcorp
Classification: Uncertain significance for Peutz-Jeghers syndrome. Last evaluated: 2021-09-09. Review status: criteria provided, single submitter. Criteria: Invitae Variant Classification Sherloc (09022015). Collection method: clinical testing. Allele origin: germline.
Comment: This sequence change replaces isoleucine with leucine at codon 274 of the STK11 protein (p.Ile274Leu). The isoleucine residue is highly conserved and there is a small physicochemical difference between isoleucine and leucine. This variant is not present in population databases (ExAC no frequency). This variant has not been reported in the literature in individuals affected with STK11-related conditions. Advanced modeling of protein sequence and biophysical properties (such as structural, functional, and spatial information, amino acid conservation, physicochemical variation, residue mobility, and thermodynamic stability) performed at Invitae indicates that this missense variant is not expected to disrupt STK11 protein function. In summary, the available evidence is currently insufficient to determine the role of this variant in disease. Therefore, it has been classified as a Variant of Uncertain Significance.